The following is an entry in ClinVar:

NM_206926.2(SELENON):c.94G>C (p.Ala32Pro)

Gene: SELENON (selenoprotein N; plus strand). Cytogenetic location: 1p36.11.
Variant type: single nucleotide variant.
Coding change: c.94G>C on transcript NM_206926.2 (MANE Select); coding-DNA position 94, G replaced by C.
Protein change: p.Ala32Pro; replaces alanine 32 with proline.
Molecular consequence: missense variant.
Genome position (GRCh38, 1-based): chr1:25,800,324, G>C. VCF-style: chr1-25800324-G-C. GRCh37 (hg19) VCF-style: chr1-26126815-G-C.
Other names: c.94G>C, p.Ala32Pro (NM_020451.3); short protein forms A32P.
Identifiers: ClinVar variation 2197505 (VCV002197505.1), dbSNP rs2524955135, ClinGen allele CA339106014.
Genomic context (GRCh38, chr1:25,800,324, plus strand): 5'-CCCAGCCCCGGCCCCGCCGCGCAGCCTCCCGCGCCACCGCGCCGCCGCGCCCGTTCCCTG[G>C]CGCTGCTCGGAGCCCTGCTGGCCGCCGCCGCTGCCGCCGCCGTCCGGGTCTGCGCCCGCC-3'
Protein context (NP_996809.1, residues 22-42): APPRRRARSL[Ala32Pro]LLGALLAAAA

ClinVar aggregate classification (germline): Uncertain significance (1 of 4 stars; one submission).

Conditions:
Eichsfeld type congenital muscular dystrophy (CMYO3). Also called: SELENON-related myopathy; Congenital myopathy 3 with rigid spine; Rigid spine muscular dystrophy 1; MYOPATHY, SEPN1-RELATED. Identifiers: MedGen C0410180, MONDO:0100100, OMIM 602771.

gnomAD v4.1: 3 of 1,008,618 alleles (0.0003%); highest among the groups gnomAD compares: East Asian, 0.011%; no homozygotes.

Submission:

Labcorp Genetics (formerly Invitae), Labcorp
Classification: Uncertain significance for Eichsfeld type congenital muscular dystrophy. Last evaluated: 2022-06-23. Review status: criteria provided, single submitter. Criteria: Invitae Variant Classification Sherloc (09022015). Collection method: clinical testing. Allele origin: germline.
Comment: This sequence change replaces alanine, which is neutral and non-polar, with proline, which is neutral and non-polar, at codon 32 of the SELENON protein (p.Ala32Pro). This variant is not present in population databases (gnomAD no frequency). This variant has not been reported in the literature in individuals affected with SELENON-related conditions. Algorithms developed to predict the effect of missense changes on protein structure and function are either unavailable or do not agree on the potential impact of this missense change (SIFT: "Tolerated"; PolyPhen-2: "Not Available"; Align-GVGD: "Class C0"). In summary, the available evidence is currently insufficient to determine the role of this variant in disease. Therefore, it has been classified as a Variant of Uncertain Significance.